The following is an entry in ClinVar:

ClinVar aggregate classification (germline): Uncertain significance (1 of 4 stars; one submission).

Conditions:
Inborn genetic diseases. Identifiers: MedGen C0950123, MeSH D030342.

Submission:

Ambry Genetics
Classification: Uncertain significance for Inborn genetic diseases. Last evaluated: 2022-08-11. Review status: criteria provided, single submitter. Criteria: Ambry Variant Classification Scheme 2023. Collection method: clinical testing. Allele origin: germline.
Comment: The c.657_659delAAA (p.K225del) alteration is located in exon 7 (coding exon 6) of the LARP7 gene. This alteration consists of an in-frame deletion of 3 nucleotides between nucleotide positions c.657 and c.659, resulting in the deletion of 1 residue. Based on insufficient or conflicting evidence, the clinical significance of this alteration remains unclear.

NM_016648.4(LARP7):c.657_659del (p.Lys225del)

Genes: LARP7 (La ribonucleoprotein 7, transcriptional regulator; plus strand), MIR302CHG (miR-302/367 cluster host gene; minus strand). Cytogenetic location: 4q25.
Variant type: Deletion.
Coding change: c.657_659del on transcript NM_016648.4 (MANE Select); coding-DNA positions 657 to 659, 3 bases deleted (AAA; older notation c.657_659delAAA).
Protein change: p.Lys225del; deletes lysine 225.
Molecular consequence: inframe deletion.
Genome position (GRCh38, 1-based): chr4:112,647,209-112,647,211, AAA deleted; deleting any 3 consecutive bases within chr4:112,647,207-112,647,211 gives the same sequence; the c. name uses the placement nearest the transcript's 3' end. VCF-style (leftmost placement, unchanged base first): chr4-112647206-GAAA-G. GRCh37 (hg19) VCF-style: chr4-113568362-GAAA-G.
Other names: c.657_659del, p.Lys225del (NM_001267039.4, NM_001370974.1, NM_001370975.1 and 2 more transcripts); c.654_656del, p.Lys224del (NM_001370976.1, NM_001370977.1, NM_001370979.1 and 1 more transcripts); c.420_422del, p.Lys146del (NM_001370981.1, NM_001370982.1); short protein forms K224del, K225del, K146del.
Identifiers: ClinVar variation 2394054 (VCV002394054.2), dbSNP rs771630962, ClinGen allele CA3049226.
Genomic context (GRCh38, chr4:112,647,206, plus strand): 5'-TTAAATAGGTGTAGTTGAAGTAAGATGAACTAATAATGATGGCACTTTTACAGAAGAGAA[GAAA>G]AAGAAAAAGAAGAAGAAAGGCCGAATGAAAAAGGAAGACAATATCCAAGCCAAAGAAGAA-3'